The following is an entry in ClinVar:

NM_001001331.4(ATP2B2):c.3563C>G (p.Thr1188Ser)

Gene: ATP2B2 (ATPase plasma membrane Ca2+ transporting 2; minus strand). Cytogenetic location: 3p25.3.
Variant type: single nucleotide variant.
Coding change: c.3563C>G on transcript NM_001001331.4 (MANE Select); coding-DNA position 3563, C replaced by G.
Protein change: p.Thr1188Ser; replaces threonine 1188 with serine.
Molecular consequence: missense variant. On other transcripts: 3 prime UTR variant (2).
Genome position (GRCh38, 1-based): chr3:10,328,983, G>C on the plus strand (C>G on the coding strand, the complement: ATP2B2 is on the minus strand). VCF-style: chr3-10328983-G-C. GRCh37 (hg19) VCF-style: chr3-10370667-G-C.
Other names: c.*190C>G (NM_001330611.3); c.3428C>G, p.Thr1143Ser (NM_001353564.1, NM_001683.5); c.*117C>G (NM_001363862.1); short protein forms T1188S, T1143S.
Identifiers: ClinVar variation 2120257 (VCV002120257.4), dbSNP rs2470032975, ClinGen allele CA351773242.

ClinVar aggregate classification (germline): Uncertain significance (1 of 4 stars; one submission).

Submission:

Labcorp Genetics (formerly Invitae), Labcorp
Classification: Uncertain significance. Last evaluated: 2022-11-22. Review status: criteria provided, single submitter. Criteria: Invitae Variant Classification Sherloc (09022015). Collection method: clinical testing. Allele origin: germline.
Comment: Advanced modeling of protein sequence and biophysical properties (such as structural, functional, and spatial information, amino acid conservation, physicochemical variation, residue mobility, and thermodynamic stability) performed at Invitae indicates that this missense variant is not expected to disrupt ATP2B2 protein function. In summary, the available evidence is currently insufficient to determine the role of this variant in disease. Therefore, it has been classified as a Variant of Uncertain Significance. This variant has not been reported in the literature in individuals affected with ATP2B2-related conditions. This sequence change replaces threonine, which is neutral and polar, with serine, which is neutral and polar, at codon 1143 of the ATP2B2 protein (p.Thr1143Ser). This variant is not present in population databases (gnomAD no frequency).